The following is an entry in ClinVar:

NM_001277115.2(DNAH11):c.10801A>G (p.Thr3601Ala)

Gene: DNAH11 (dynein axonemal heavy chain 11; plus strand). Cytogenetic location: 7p15.3.
Variant type: single nucleotide variant.
Coding change: c.10801A>G on transcript NM_001277115.2 (MANE Select); coding-DNA position 10801, A replaced by G.
Protein change: p.Thr3601Ala; replaces threonine 3601 with alanine.
Molecular consequence: missense variant.
Genome position (GRCh38, 1-based): chr7:21,842,653, A>G. VCF-style: chr7-21842653-A-G. GRCh37 (hg19) VCF-style: chr7-21882271-A-G.
Other names: short protein forms T3601A.
Identifiers: ClinVar variation 1421342 (VCV001421342.4), dbSNP rs1418505953, ClinGen allele CA366956898.

ClinVar aggregate classification (germline): Uncertain significance (1 of 4 stars; one submission).

Conditions:
Primary ciliary dyskinesia. Also called: Ciliary dyskinesia. Identifiers: Orphanet 244, MedGen C0008780, MONDO:0016575, HP:0012265.

gnomAD v4.1: 1 of 1,613,700 alleles (0.000062%); highest among the groups gnomAD compares: Non-Finnish European, 0.000085%; no homozygotes.

Submission:

Labcorp Genetics (formerly Invitae), Labcorp
Classification: Uncertain significance for Primary ciliary dyskinesia. Last evaluated: 2025-12-16. Review status: criteria provided, single submitter. Criteria: Invitae Variant Classification Sherloc (09022015). Collection method: clinical testing. Allele origin: germline.
Comment: This sequence change replaces threonine, which is neutral and polar, with alanine, which is neutral and non-polar, at codon 3601 of the DNAH11 protein (p.Thr3601Ala). This variant is not present in population databases (gnomAD no frequency). This variant has not been reported in the literature in individuals affected with DNAH11-related conditions. ClinVar contains an entry for this variant (Variation ID: 1421342). Invitae Evidence Modeling of protein sequence and biophysical properties (such as structural, functional, and spatial information, amino acid conservation, physicochemical variation, residue mobility, and thermodynamic stability) indicates that this missense variant is not expected to disrupt DNAH11 protein function with a negative predictive value of 95%. In summary, the available evidence is currently insufficient to determine the role of this variant in disease. Therefore, it has been classified as a Variant of Uncertain Significance.